The following is an entry in ClinVar:

ClinVar aggregate classification (germline): Uncertain significance (1 of 4 stars; one submission).

Conditions:
Cenani-Lenz syndactyly syndrome. Also called: SYNDACTYLY, TYPE VII; CENANI SYNDACTYLISM. Identifiers: Orphanet 3258, MedGen C1859309, MONDO:0008931, OMIM 212780.
Sclerosteosis 2 (SOST2). Identifiers: Orphanet 3152, MedGen C3280402, MONDO:0013679, OMIM 614305.
Congenital myasthenic syndrome 17. Identifiers: Orphanet 590, MedGen C4225377, MONDO:0014578, OMIM 616304.

Allele frequency attached by ClinVar (database versions not stated): gnomAD exomes below 0.00001; ExAC 0.00001.
gnomAD v4.1: 1 of 1,614,170 alleles (0.000062%); highest among the groups gnomAD compares: Admixed American, 0.0017%; no homozygotes.

Submission:

Labcorp Genetics (formerly Invitae), Labcorp
Classification: Uncertain significance for Cenani-Lenz syndactyly syndrome; Sclerosteosis 2; Congenital myasthenic syndrome 17. Last evaluated: 2022-05-15. Review status: criteria provided, single submitter. Criteria: Invitae Variant Classification Sherloc (09022015). Collection method: clinical testing. Allele origin: germline.
Comment: This sequence change replaces cysteine, which is neutral and slightly polar, with arginine, which is basic and polar, at codon 1842 of the LRP4 protein (p.Cys1842Arg). In summary, the available evidence is currently insufficient to determine the role of this variant in disease. Therefore, it has been classified as a Variant of Uncertain Significance. Algorithms developed to predict the effect of missense changes on protein structure and function are either unavailable or do not agree on the potential impact of this missense change (SIFT: "Deleterious"; PolyPhen-2: "Probably Damaging"; Align-GVGD: "Class C0"). This variant has not been reported in the literature in individuals affected with LRP4-related conditions. This variant is present in population databases (rs769426991, gnomAD 0.003%).

NM_002334.4(LRP4):c.5524T>C (p.Cys1842Arg)

Genes: LRP4 (LDL receptor related protein 4; minus strand), LRP4-AS1 (LRP4 antisense RNA 1; plus strand). Cytogenetic location: 11p11.2.
Variant type: single nucleotide variant.
Coding change: c.5524T>C on transcript NM_002334.4 (MANE Select); coding-DNA position 5524, T replaced by C.
Protein change: p.Cys1842Arg; replaces cysteine 1842 with arginine.
Molecular consequence: missense variant.
Genome position (GRCh38, 1-based): chr11:46,859,177, A>G on the plus strand (T>C on the coding strand, the complement: LRP4 is on the minus strand). VCF-style: chr11-46859177-A-G. GRCh37 (hg19) VCF-style: chr11-46880728-A-G.
Other names: short protein forms C1842R.
Identifiers: ClinVar variation 1994818 (VCV001994818.4), dbSNP rs769426991, ClinGen allele CA5968995.